The following is an entry in ClinVar:

NM_005912.3(MC4R):c.608C>A (p.Thr203Asn)

Gene: MC4R (melanocortin 4 receptor; minus strand). Cytogenetic location: 18q21.32.
Variant type: single nucleotide variant.
Coding change: c.608C>A on transcript NM_005912.3 (MANE Select); coding-DNA position 608, C replaced by A.
Protein change: p.Thr203Asn; replaces threonine 203 with asparagine.
Molecular consequence: missense variant.
Genome position (GRCh38, 1-based): chr18:60,371,742, G>T on the plus strand (C>A on the coding strand, the complement: MC4R is on the minus strand). VCF-style: chr18-60371742-G-T. GRCh37 (hg19) VCF-style: chr18-58038975-G-T.
Other names: short protein forms T203N.
Identifiers: ClinVar variation 3346909 (VCV003346909.1).
Genomic context (GRCh38, chr18:60,371,742, plus strand): 5'-ATGTGAAGCCTGGCCATCAGGAACATGTGGACATAGAGAGAAGCCATGAGAGCCAGCATG[G>T]TGAAGAACATGGTGATGAGGCAGATGATGACAGCACTACTATCTGAGTAAATGATGAACA-3'
Protein context (NP_005903.2, residues 193-213): VIICLITMFF[Thr203Asn]MLALMASLYV

ClinVar aggregate classification (germline): Uncertain significance (0 of 4 stars; one submission).

Conditions:
MC4R-related disorder. Also called: MC4R-related condition.

Submission:

PreventionGenetics, part of Exact Sciences
Classification: Uncertain significance for MC4R-related condition. Last evaluated: 2024-06-21. Review status: no assertion criteria provided. Collection method: clinical testing. Allele origin: germline.
Comment: The MC4R c.608C>A variant is predicted to result in the amino acid substitution p.Thr203Asn. To our knowledge, this variant has not been reported in the literature or in a large population database, indicating this variant is rare. At this time, the clinical significance of this variant is uncertain due to the absence of conclusive functional and genetic evidence.